The following is an entry in ClinVar:

ClinVar aggregate classification (germline): Uncertain significance. Review status: criteria provided, multiple submitters, no conflicts (2 of 4 stars). 2 submissions from 2 submitters: Uncertain significance (2). Last evaluated 2025-03-18.

Conditions:
Inborn genetic diseases. Identifiers: MedGen C0950123, MeSH D030342.
Baller-Gerold syndrome (BGS). Also called: CRANIOSYNOSTOSIS WITH RADIAL DEFECTS. Identifiers: Orphanet 1225, MedGen C0265308, MONDO:0009039, OMIM 218600.

Allele frequency attached by ClinVar (database versions not stated): ExAC 0.00001.

Submissions (2):

Ambry Genetics
Classification: Uncertain significance for Inborn genetic diseases. Last evaluated: 2025-03-18. Review status: criteria provided, single submitter. Criteria: Ambry Variant Classification Scheme 2023. Collection method: clinical testing. Allele origin: germline.
Comment: The p.P953R variant (also known as c.2858C>G), located in coding exon 16 of the RECQL4 gene, results from a C to G substitution at nucleotide position 2858. The proline at codon 953 is replaced by arginine, an amino acid with dissimilar properties. This amino acid position is conserved. In addition, this alteration is predicted to be tolerated by in silico analysis. Based on the available evidence, the clinical significance of this variant remains unclear.

Labcorp Genetics (formerly Invitae), Labcorp
Classification: Uncertain significance for Baller-Gerold syndrome. Last evaluated: 2022-11-06. Review status: criteria provided, single submitter. Criteria: Invitae Variant Classification Sherloc (09022015). Collection method: clinical testing. Allele origin: germline.
Comment: In summary, the available evidence is currently insufficient to determine the role of this variant in disease. Therefore, it has been classified as a Variant of Uncertain Significance. Advanced modeling of protein sequence and biophysical properties (such as structural, functional, and spatial information, amino acid conservation, physicochemical variation, residue mobility, and thermodynamic stability) performed at Invitae indicates that this missense variant is not expected to disrupt RECQL4 protein function. This variant has not been reported in the literature in individuals affected with RECQL4-related conditions. This variant is present in population databases (rs770474816, gnomAD 0.0009%). This sequence change replaces proline, which is neutral and non-polar, with arginine, which is basic and polar, at codon 953 of the RECQL4 protein (p.Pro953Arg).

NM_004260.4(RECQL4):c.2858C>G (p.Pro953Arg)

Gene: RECQL4 (RecQ like helicase 4; minus strand). Cytogenetic location: 8q24.3.
Variant type: single nucleotide variant.
Coding change: c.2858C>G on transcript NM_004260.4 (MANE Select); coding-DNA position 2858, C replaced by G.
Protein change: p.Pro953Arg; replaces proline 953 with arginine.
Molecular consequence: missense variant. On other transcripts: non-coding transcript variant (3).
Genome position (GRCh38, 1-based): chr8:144,512,669, G>C on the plus strand (C>G on the coding strand, the complement: RECQL4 is on the minus strand). VCF-style: chr8-144512669-G-C. GRCh37 (hg19) VCF-style: chr8-145738052-G-C.
Other names: c.2564C>G, p.Pro855Arg (NM_001413017.1); c.2660C>G, p.Pro887Arg (NM_001413018.1); c.2933C>G, p.Pro978Arg (NM_001413019.1); c.2762C>G, p.Pro921Arg (NM_001413020.1); c.1787C>G, p.Pro596Arg (NM_001413021.1, NM_001413022.1, NM_001413024.1 and 4 more transcripts); c.1862C>G, p.Pro621Arg (NM_001413023.1); c.2729C>G, p.Pro910Arg (NM_001413025.1); c.1721C>G, p.Pro574Arg (NM_001413027.1, NM_001413030.1, NM_001413032.1); and 10 more; short protein forms P586R, P621R, P855R, P978R, P552R, P574R, P909R, P910R.
Identifiers: ClinVar variation 2812457 (VCV002812457.4), dbSNP rs770474816, ClinGen allele CA4948050.